The following is an entry in ClinVar:

ClinVar aggregate classification (germline): Conflicting classifications of pathogenicity. Review status: criteria provided, conflicting classifications (1 of 4 stars). 2 submissions from 2 submitters: Uncertain significance (1); Likely benign (1). Last evaluated 2024-09-14.

Conditions:
Candidiasis, familial, 9 (CANDF9). Identifiers: Orphanet 1334, MedGen C4225324, MONDO:0014642, OMIM 616445.

gnomAD v4.1: 27 of 1,613,898 alleles (0.0017%); highest among the groups gnomAD compares: Non-Finnish European, 0.0022%; no homozygotes.

Submissions (2):

Labcorp Genetics (formerly Invitae), Labcorp
Classification: Uncertain significance for Candidiasis, familial, 9. Last evaluated: 2024-09-14. Review status: criteria provided, single submitter. Criteria: Invitae Variant Classification Sherloc (09022015). Collection method: clinical testing. Allele origin: germline.
Comment: This sequence change replaces leucine, which is neutral and non-polar, with methionine, which is neutral and non-polar, at codon 280 of the IL17RC protein (p.Leu280Met). This variant is present in population databases (rs757448929, gnomAD 0.007%). This variant has not been reported in the literature in individuals affected with IL17RC-related conditions. An algorithm developed to predict the effect of missense changes on protein structure and function (PolyPhen-2) suggests that this variant is likely to be disruptive. In summary, the available evidence is currently insufficient to determine the role of this variant in disease. Therefore, it has been classified as a Variant of Uncertain Significance.

Blueprint Genetics
Classification: Likely benign. Last evaluated: 2019-04-09. Review status: criteria provided, single submitter. Criteria: ACMG Guidelines, 2015. Collection method: clinical testing. Allele origin: germline.

NM_153460.4(IL17RC):c.625C>A (p.Leu209Met)

Gene: IL17RC (interleukin 17 receptor C; plus strand). Cytogenetic location: 3p25.3.
Variant type: single nucleotide variant.
Coding change: c.625C>A on transcript NM_153460.4 (MANE Select); coding-DNA position 625, C replaced by A.
Protein change: p.Leu209Met; replaces leucine 209 with methionine.
Molecular consequence: missense variant. On other transcripts: non-coding transcript variant (1).
Genome position (GRCh38, 1-based): chr3:9,923,883, C>A. VCF-style: chr3-9923883-C-A. GRCh37 (hg19) VCF-style: chr3-9965567-C-A.
Other names: c.625C>A, p.Leu209Met (NM_001203263.2, NM_001203264.2, NM_001367278.1); c.580C>A, p.Leu194Met (NM_001203265.2, NM_001367280.1, NM_001410711.1 and 1 more transcripts); c.505C>A, p.Leu169Met (NM_001367279.1); c.838C>A, p.Leu280Met (NM_153461.4); short protein forms L169M, L194M, L209M, L280M.
Identifiers: ClinVar variation 3691289 (VCV003691289.3).